The following is an entry in ClinVar:

NM_001267550.2(TTN):c.65212_65213del (p.Asn21738fs)

Genes: TTN (titin; minus strand), TTN-AS1 (TTN antisense RNA 1; plus strand). Cytogenetic location: 2q31.2.
Variant type: Deletion.
Coding change: c.65212_65213del on transcript NM_001267550.2 (MANE Select); coding-DNA positions 65212 to 65213, 2 bases deleted (AA; older notation c.65212_65213delAA).
Protein change: p.Asn21738fs; shifts the reading frame from asparagine 21738.
Molecular consequence: frameshift variant.
Genome position (GRCh38, 1-based): chr2:178,584,338-178,584,339, TT deleted on the plus strand (AA on the coding strand, the reverse complement: TTN is on the minus strand); deleting any 2 consecutive bases within chr2:178,584,338-178,584,340 gives the same sequence; the c. name uses the placement nearest the transcript's 3' end. VCF-style (leftmost placement, unchanged base first): chr2-178584337-GTT-G. GRCh37 (hg19) VCF-style: chr2-179449064-GTT-G.
Other names: c.60289_60290del, p.Asn20097fs (NM_001256850.1); c.38017_38018del, p.Asn12673fs (NM_003319.4); c.57508_57509del, p.Asn19170fs (NM_133378.4); c.38392_38393del, p.Asn12798fs (NM_133432.3); c.38593_38594del, p.Asn12865fs (NM_133437.4); short protein forms N12798fs, N21738fs, N12673fs, N19170fs, N20097fs, N12865fs.
Identifiers: ClinVar variation 2949886 (VCV002949886.3), dbSNP rs2469134592, ClinGen allele CA2740096060.
Genomic context (GRCh38, chr2:178,584,337, plus strand): 5'-AACTGGCATTCTTGCAGTTACATATTCTGTGGGTTTGCTGGGTGGGCTGGATCCAGCTTT[GTT>G]TAGGGCATAGATTCTGAATGAATACTCAAGACCTTCTACAAGGCCAGCACAAGGATATTC-3'

ClinVar aggregate classification (germline): Likely pathogenic (1 of 4 stars; one submission).

Conditions:
Dilated cardiomyopathy 1G (CMD1G). Identifiers: Orphanet 154, MedGen C1858763, MONDO:0011400, OMIM 604145.
Autosomal recessive limb-girdle muscular dystrophy type 2J (LGMDR10). Also called: Limb-girdle muscular dystrophy, type 2J; MUSCULAR DYSTROPHY, LIMB-GIRDLE, AUTOSOMAL RECESSIVE 10. Identifiers: Orphanet 140922, MedGen C1837342, MONDO:0012127, OMIM 608807.

Submission:

Labcorp Genetics (formerly Invitae), Labcorp
Classification: Likely pathogenic for Dilated cardiomyopathy 1G; Autosomal recessive limb-girdle muscular dystrophy type 2J. Last evaluated: 2023-11-02. Review status: criteria provided, single submitter. Criteria: Invitae Variant Classification Sherloc (09022015). Collection method: clinical testing. Allele origin: germline.
Comment: This sequence change creates a premature translational stop signal (p.Asn21738Glnfs*21) in the TTN gene. While this is not anticipated to result in nonsense mediated decay, it is expected to create a truncated TTN protein. This variant is not present in population databases (gnomAD no frequency). This variant has not been reported in the literature in individuals affected with TTN-related conditions. This variant is located in the A band of TTN (PMID: 25589632). Truncating variants in this region are significantly overrepresented in patients affected with dilated cardiomyopathy (PMID: 25589632). Truncating variants in this region have also been reported in individuals affected with autosomal recessive centronuclear myopathy (PMID: 23975875). In summary, the currently available evidence indicates that the variant is pathogenic, but additional data are needed to prove that conclusively. Therefore, this variant has been classified as Likely Pathogenic.

Literature cited by the submitters: PubMed 25589632; PubMed 23975875.